The following is an entry in ClinVar:

ClinVar aggregate classification (germline): Uncertain significance. Review status: criteria provided, multiple submitters, no conflicts (2 of 4 stars). 4 submissions from 4 submitters: Uncertain significance (3). 1 of the submissions does not count toward it. Last evaluated 2024-08-03.

Conditions:
Hereditary cancer-predisposing syndrome. Also called: Neoplastic Syndromes, Hereditary; Tumor predisposition; Hereditary Cancer Syndrome; Hereditary neoplastic syndrome. Identifiers: Orphanet 140162, MedGen C0027672, MeSH D009386, MONDO:0015356.
Bloom syndrome (BLM). Also called: Bloom-Torre-Machacek syndrome. Identifiers: Orphanet 125, MedGen C0005859, MONDO:0008876, OMIM 210900.

Allele frequency attached by ClinVar (database versions not stated): gnomAD exomes below 0.00001; TOPMed below 0.00001.
gnomAD v4.1: 1 of 1,614,174 alleles (0.000062%); highest among the groups gnomAD compares: Admixed American, 0.0017%; no homozygotes.

Submissions (4):

Labcorp Genetics (formerly Invitae), Labcorp
Classification: Uncertain significance for Bloom syndrome. Last evaluated: 2024-08-03. Review status: criteria provided, single submitter. Criteria: Invitae Variant Classification Sherloc (09022015). Collection method: clinical testing. Allele origin: germline.
Comment: This sequence change replaces leucine, which is neutral and non-polar, with valine, which is neutral and non-polar, at codon 1253 of the BLM protein (p.Leu1253Val). This variant is present in population databases (no rsID available, gnomAD 0.003%). This variant has not been reported in the literature in individuals affected with BLM-related conditions. ClinVar contains an entry for this variant (Variation ID: 648288). Advanced modeling of protein sequence and biophysical properties (such as structural, functional, and spatial information, amino acid conservation, physicochemical variation, residue mobility, and thermodynamic stability) performed at Invitae indicates that this missense variant is not expected to disrupt BLM protein function with a negative predictive value of 80%. In summary, the available evidence is currently insufficient to determine the role of this variant in disease. Therefore, it has been classified as a Variant of Uncertain Significance.

Fulgent Genetics
Classification: Uncertain significance for Bloom syndrome. Last evaluated: 2024-04-10. Review status: criteria provided, single submitter. Criteria: ACMG Guidelines, 2015. Collection method: clinical testing. Allele origin: germline.

Ambry Genetics
Classification: Uncertain significance for Hereditary cancer-predisposing syndrome. Last evaluated: 2023-04-21. Review status: criteria provided, single submitter. Criteria: Ambry Variant Classification Scheme 2023. Collection method: clinical testing. Allele origin: germline.
Comment: The p.L1253V variant (also known as c.3757T>G), located in coding exon 19 of the BLM gene, results from a T to G substitution at nucleotide position 3757. The leucine at codon 1253 is replaced by valine, an amino acid with highly similar properties. This amino acid position is highly conserved in available vertebrate species. In addition, this alteration is predicted to be tolerated by in silico analysis. Since supporting evidence is limited at this time, the clinical significance of this alteration remains unclear.

Natera, Inc.
Classification: Uncertain significance for Bloom syndrome. Last evaluated: 2018-06-22. Review status: no assertion criteria provided. Collection method: clinical testing. Allele origin: germline. Not counted in ClinVar's aggregate classification.

NM_000057.4(BLM):c.3757T>G (p.Leu1253Val)

Gene: BLM (BLM RecQ like helicase; plus strand). Cytogenetic location: 15q26.1.
Variant type: single nucleotide variant.
Coding change: c.3757T>G on transcript NM_000057.4 (MANE Select); coding-DNA position 3757, T replaced by G.
Protein change: p.Leu1253Val; replaces leucine 1253 with valine.
Molecular consequence: missense variant.
Genome position (GRCh38, 1-based): chr15:90,809,142, T>G. VCF-style: chr15-90809142-T-G. GRCh37 (hg19) VCF-style: chr15-91352372-T-G.
Other names: c.3757T>G, p.Leu1253Val (NM_001287246.2); c.3364T>G, p.Leu1122Val (NM_001287247.2); c.2632T>G, p.Leu878Val (NM_001287248.2); c.3757T>G (NM_000057.2); short protein forms L1253V, L878V, L1122V.
Identifiers: ClinVar variation 648288 (VCV000648288.13), dbSNP rs1249288071, ClinGen allele CA393849593.